The following is an entry in ClinVar:

ClinVar aggregate classification (germline): Uncertain significance. Review status: criteria provided, single submitter (1 of 4 stars). 2 submissions from 2 submitters: Uncertain significance (1). 1 of the submissions does not count toward it. Last evaluated 2020-12-22.

Conditions:
Moyamoya disease 2 (MYMY2). Also called: MOYAMOYA DISEASE 2, SUSCEPTIBILITY TO. Identifiers: Orphanet 2573, MedGen C1846689, MONDO:0011784, OMIM 607151.

Allele frequency attached by ClinVar (database versions not stated): TOPMed below 0.00001.
gnomAD v4.1: 2 of 1,614,062 alleles (0.00012%); highest among the groups gnomAD compares: Non-Finnish European, 0.00017%; no homozygotes.

Submissions (2):

GeneDx
Classification: Uncertain significance. Last evaluated: 2020-12-22. Review status: criteria provided, single submitter. Criteria: GeneDx Variant Classification Process June 2021. Collection method: clinical testing. Allele origin: germline. Affected: yes.
Comment: Reported in two related individuals with Moyamoya disease in published literature, but the variant was also seen in several unaffected family members (Grangeon et al., 2019); Not observed at a significant frequency in large population cohorts (Lek et al., 2016); In silico analysis supports that this missense variant does not alter protein structure/function; This variant is associated with the following publications: (PMID: 30908154, 32547641, 28635953)

UMR-S1161, Institut national de la santé et de la recherche médicale
Classification: Uncertain significance for Moyamoya disease 2. Last evaluated: 2017-03-03. Review status: no assertion criteria provided. Collection method: research. Allele origin: inherited. Affected: yes. Study: Rare RNF213 variants in Caucasian moyamoya patients. Not counted in ClinVar's aggregate classification.

NM_001256071.3(RNF213):c.11779G>A (p.Ala3927Thr)

Genes: RNF213 (ring finger protein 213; plus strand), RNF213-AS1 (RNF213 antisense RNA 1; minus strand). Cytogenetic location: 17q25.3.
Variant type: single nucleotide variant.
Coding change: c.11779G>A on transcript NM_001256071.3 (MANE Select); coding-DNA position 11779, G replaced by A.
Protein change: p.Ala3927Thr; replaces alanine 3927 with threonine.
Molecular consequence: missense variant.
Genome position (GRCh38, 1-based): chr17:80,364,461, G>A. VCF-style: chr17-80364461-G-A. GRCh37 (hg19) VCF-style: chr17-78338261-G-A.
Other names: short protein forms A3927T.
Identifiers: ClinVar variation 417844 (VCV000417844.3), dbSNP rs777402744, ClinGen allele CA8821959.